The following is an entry in ClinVar:

ClinVar aggregate classification (germline): Conflicting classifications of pathogenicity. Review status: criteria provided, conflicting classifications (1 of 4 stars). 3 submissions from 3 submitters: Uncertain significance (2); Likely benign (1). Last evaluated 2025-12-28.

Conditions:
Hereditary nonpolyposis colorectal neoplasms. Identifiers: MedGen C0009405, MeSH D003123.
Hereditary cancer-predisposing syndrome. Also called: Hereditary neoplastic syndrome; Neoplastic Syndromes, Hereditary; Tumor predisposition; Hereditary Cancer Syndrome. Identifiers: Orphanet 140162, MedGen C0027672, MeSH D009386, MONDO:0015356.

Submissions (3):

Labcorp Genetics (formerly Invitae), Labcorp
Classification: Uncertain significance for Hereditary nonpolyposis colorectal neoplasms. Last evaluated: 2025-12-28. Review status: criteria provided, single submitter. Criteria: Invitae Variant Classification Sherloc (09022015). Collection method: clinical testing. Allele origin: germline.
Comment: This sequence change replaces lysine, which is basic and polar, with threonine, which is neutral and polar, at codon 433 of the PMS2 protein (p.Lys433Thr). This variant is not present in population databases (gnomAD no frequency). This variant has not been reported in the literature in individuals affected with PMS2-related conditions. ClinVar contains an entry for this variant (Variation ID: 423348). Invitae Evidence Modeling incorporating data from in vitro experimental studies (internal data) indicates that this missense variant is not expected to disrupt PMS2 function with a negative predictive value of 95%. In summary, the available evidence is currently insufficient to determine the role of this variant in disease. Therefore, it has been classified as a Variant of Uncertain Significance.

Ambry Genetics
Classification: Likely benign for Hereditary cancer-predisposing syndrome. Last evaluated: 2025-04-01. Review status: criteria provided, single submitter. Criteria: Ambry Variant Classification Scheme 2023. Collection method: clinical testing. Allele origin: germline.

GeneDx
Classification: Uncertain significance. Last evaluated: 2017-02-09. Review status: criteria provided, single submitter. Criteria: GeneDx Variant Classification (06012015). Collection method: clinical testing. Allele origin: germline. Affected: yes.
Comment: This variant is denoted PMS2 c.1298A>C at the cDNA level, p.Lys433Thr (K433T) at the protein level, and results in the change of a Lysine to a Threonine (AAG>ACG). This variant has not, to our knowledge, been published in the literature as pathogenic or benign. PMS2 Lys433Thr was not observed in approximately 6,500 individuals of European and African American ancestry in the NHLBI Exome Sequencing Project, suggesting it is not a common benign variant in these populations. Since Lysine and Threonine differ in some properties, this is considered a semi-conservative amino acid substitution. PMS2 Lys433Thr occurs at a position that is not conserved and is not located in a known functional domain (Guarne 2001, Kondo 2001, Fukui 2011). In silico analyses predict that this variant is unlikely to alter protein structure or function. Based on currently available evidence, it is unclear whether PMS2 Lys433Thr is a pathogenic or benign variant. We consider it to be a variant of uncertain significance.

NM_000535.7(PMS2):c.1298A>C (p.Lys433Thr)

Gene: PMS2 (PMS1 homolog 2, mismatch repair system component; minus strand). Cytogenetic location: 7p22.1.
Variant type: single nucleotide variant.
Coding change: c.1298A>C on transcript NM_000535.7 (MANE Select); coding-DNA position 1298, A replaced by C.
Protein change: p.Lys433Thr; replaces lysine 433 with threonine.
Molecular consequence: missense variant. On other transcripts: non-coding transcript variant (1).
Genome position (GRCh38, 1-based): chr7:5,987,467, T>G on the plus strand (A>C on the coding strand, the complement: PMS2 is on the minus strand). VCF-style: chr7-5987467-T-G. GRCh37 (hg19) VCF-style: chr7-6027098-T-G.
Other names: c.893A>C, p.Lys298Thr (NM_001322003.2, NM_001322004.2, NM_001322005.2 and 1 more transcripts); c.1142A>C, p.Lys381Thr (NM_001322006.2); c.980A>C, p.Lys327Thr (NM_001322007.2, NM_001322008.2); c.737A>C, p.Lys246Thr (NM_001322010.2); c.365A>C, p.Lys122Thr (NM_001322011.2, NM_001322012.2); c.725A>C, p.Lys242Thr (NM_001322013.2); c.1298A>C, p.Lys433Thr (NM_001322014.2); c.989A>C, p.Lys330Thr (NM_001322015.2); short protein forms K433T, K122T, K242T, K246T, K327T, K330T, K298T, K381T.
Identifiers: ClinVar variation 423348 (VCV000423348.15), dbSNP rs1064796375, ClinGen allele CA16618513.
Genomic context (GRCh38, chr7:5,987,467, plus strand): 5'-ATACCCCTTTTCTGTCCTAGAGGGCTCCTTCTTGGTTCTGGAGTCTTTGGGCTGTGAGGC[T>G]TGTTCTCTGTTGTGTGACGAAGAGAAAAGGCCTCTCGCAGTCTGGAAATGGACACGTCTT-3'
Protein context (NP_000526.2, residues 423-443): AFSLRHTTEN[Lys433Thr]PHSPKTPEPR